The following is an entry in ClinVar:

ClinVar aggregate classification (germline): Uncertain significance (1 of 4 stars; one submission).

Conditions:
Charcot-Marie-Tooth disease axonal type 2V. Also called: CHARCOT-MARIE-TOOTH NEUROPATHY, TYPE 2V; CHARCOT-MARIE-TOOTH DISEASE, AXONAL, AUTOSOMAL DOMINANT, TYPE 2V. Identifiers: Orphanet 447964, MedGen C5569050, MONDO:0014665, OMIM 616491.
Mucopolysaccharidosis, MPS-III-B (MPS3B). Also called: N-ACETYL-ALPHA-D-GLUCOSAMINIDASE DEFICIENCY; NAGLU DEFICIENCY; SANFILIPPO SYNDROME B; MPS III B; MUCOPOLYSACCHARIDOSIS, TYPE IIIB; MPS IIIB (Sanfilippo Syndrome Type B). Identifiers: Orphanet 79270, MedGen C0086648, MONDO:0009656, OMIM 252920.

Allele frequency attached by ClinVar (database versions not stated): gnomAD 0.00005; TOPMed 0.00002; ExAC 0.00008.

Submission:

Labcorp Genetics (formerly Invitae), Labcorp
Classification: Uncertain significance for Charcot-Marie-Tooth disease axonal type 2V; Mucopolysaccharidosis, MPS-III-B. Last evaluated: 2022-09-19. Review status: criteria provided, single submitter. Criteria: Invitae Variant Classification Sherloc (09022015). Collection method: clinical testing. Allele origin: germline.
Comment: This sequence change replaces valine, which is neutral and non-polar, with isoleucine, which is neutral and non-polar, at codon 709 of the NAGLU protein (p.Val709Ile). This variant is present in population databases (rs781410675, gnomAD 0.03%). This variant has not been reported in the literature in individuals affected with NAGLU-related conditions. Algorithms developed to predict the effect of missense changes on protein structure and function output the following: SIFT: "Tolerated"; PolyPhen-2: "Benign"; Align-GVGD: "Class C0". The isoleucine amino acid residue is found in multiple mammalian species, which suggests that this missense change does not adversely affect protein function. In summary, the available evidence is currently insufficient to determine the role of this variant in disease. Therefore, it has been classified as a Variant of Uncertain Significance.

NM_000263.4(NAGLU):c.2125G>A (p.Val709Ile)

Gene: NAGLU (N-acetyl-alpha-glucosaminidase; plus strand). Cytogenetic location: 17q21.2.
Variant type: single nucleotide variant.
Coding change: c.2125G>A on transcript NM_000263.4 (MANE Select); coding-DNA position 2125, G replaced by A.
Protein change: p.Val709Ile; replaces valine 709 with isoleucine.
Molecular consequence: missense variant.
Genome position (GRCh38, 1-based): chr17:42,544,131, G>A. VCF-style: chr17-42544131-G-A. GRCh37 (hg19) VCF-style: chr17-40696149-G-A.
Other names: short protein forms V709I.
Identifiers: ClinVar variation 2143360 (VCV002143360.1), dbSNP rs781410675, ClinGen allele CA8577146.